The following is an entry in ClinVar:

NM_001128840.3(CACNA1D):c.1819C>A (p.Leu607Met)

Gene: CACNA1D (calcium voltage-gated channel subunit alpha1 D; plus strand). Cytogenetic location: 3p21.1.
Variant type: single nucleotide variant.
Coding change: c.1819C>A on transcript NM_001128840.3 (MANE Select); coding-DNA position 1819, C replaced by A.
Protein change: p.Leu607Met; replaces leucine 607 with methionine.
Molecular consequence: missense variant.
Genome position (GRCh38, 1-based): chr3:53,723,586, C>A. VCF-style: chr3-53723586-C-A. GRCh37 (hg19) VCF-style: chr3-53757613-C-A.
Other names: c.1879C>A, p.Leu627Met (NM_000720.4); c.1819C>A, p.Leu607Met (NM_001128839.3); short protein forms L607M, L627M.
Identifiers: ClinVar variation 4984262 (VCV004984262.1).
Genomic context (GRCh38, chr3:53,723,586, plus strand): 5'-TTCAACCGGTTTGATTGCTTCGTGGTGTGTGGTGGAATCACTGAGACGATCTTGGTGGAA[C>A]TGGAAATCATGTCTCCCCTGGGGATCTCTGTGTTTCGGTGTGTGCGCCTCTTAAGAATCT-3'
Protein context (NP_001122312.1, residues 597-617): GGITETILVE[Leu607Met]EIMSPLGISV

ClinVar aggregate classification (germline): Uncertain significance (1 of 4 stars; one submission).

Conditions:
CACNA1D-related disorder.

Submission:

PreventionGenetics, part of Exact Sciences
Classification: Uncertain significance for CACNA1D-related condition. Last evaluated: 2025-11-12. Review status: criteria provided, single submitter. Criteria: ACMG Guidelines, 2015. Collection method: clinical testing. Allele origin: germline.
Comment: The CACNA1D c.1879C>A variant is predicted to result in the amino acid substitution p.Leu627Met. To our knowledge, this variant has not been reported in the literature or in a large population database (gnomAD), indicating this variant is rare. At this time, the clinical significance of this variant is uncertain due to the absence of conclusive functional and genetic evidence.